The following is an entry in ClinVar:

ClinVar aggregate classification (germline): Conflicting classifications of pathogenicity. Review status: criteria provided, conflicting classifications (1 of 4 stars). 7 submissions from 7 submitters: Uncertain significance (2); Likely benign (3). 2 of the submissions do not count toward it. Last evaluated 2026-01-28.

Conditions:
COL4A3-related disorder. Also called: COL4A3-Related Disorders; COL4A3-related condition.
Autosomal dominant Alport syndrome (ATS3A). Also called: ALPORT SYNDROME 3A, AUTOSOMAL DOMINANT; Alport syndrome dominant type; Renal failure and sensorineural hearing loss. Identifiers: Orphanet 63, Orphanet 88918, MedGen C5882663, MONDO:0007086, OMIM 104200.
Autosomal recessive Alport syndrome (ATS2). Also called: COL4A3-Related Nephropathy; Alport syndrome type 2; ALPORT SYNDROME 2, AUTOSOMAL RECESSIVE; COL4A4 Alport Syndrome and Thin Basement Membrane Nephropathy. Identifiers: Orphanet 63, Orphanet 88919, MedGen C4746745, MONDO:0008762, OMIM 203780.
Benign familial hematuria. Also called: thin basement membrane disease. Identifiers: MedGen C0241908, MONDO:0957317.

Allele frequency attached by ClinVar (database versions not stated): TOPMed 0.00115; ExAC 0.00035; ESP Exome Variant Server 0.00065; 1000 Genomes Project 0.00140; 1000 Genomes Project 30x 0.00156; gnomAD exomes 0.00033 and 0.00018; gnomAD 0.00080 and 0.00074.
gnomAD v4.1: 379 of 1,614,162 alleles (0.023%); highest among the groups gnomAD compares: African/African-American, 0.25%; no homozygotes.

Submissions (7):

Labcorp Genetics (formerly Invitae), Labcorp
Classification: Likely benign. Last evaluated: 2026-01-28. Review status: criteria provided, single submitter. Criteria: Invitae Variant Classification Sherloc (09022015). Collection method: clinical testing. Allele origin: germline.

GeneDx
Classification: Likely benign. Last evaluated: 2021-06-17. Review status: criteria provided, single submitter. Criteria: GeneDx Variant Classification Process June 2021. Collection method: clinical testing. Allele origin: germline. Affected: yes.

Women's Health and Genetics/Laboratory Corporation of America, LabCorp
Classification: Likely benign. Last evaluated: 2020-02-03. Review status: criteria provided, single submitter. Criteria: LabCorp Variant Classification Summary - May 2015. Collection method: clinical testing. Allele origin: germline.
Comment: Variant summary: COL4A3 c.4295G>A (p.Arg1432His) results in a non-conservative amino acid change located in the last collagen triple helix repeat (IPR008160) of the encoded protein sequence. Four of five in-silico tools predict a benign effect of the variant on protein function. The variant allele was found at a frequency of 0.00038 in 280924 control chromosomes, predominantly at a frequency of 0.003 within the African or African-American subpopulation in the gnomAD database. The observed variant frequency within African or African-American control individuals in the gnomAD database is approximately 1.4 fold of the estimated maximal expected allele frequency for a pathogenic variant in COL4A3 causing Alport Syndrome (autosomal recessive) phenotype (0.002), strongly suggesting that the variant is a benign polymorphism. To our knowledge, no occurrence of c.4295G>A in individuals affected with Alport Syndrome and no experimental evidence demonstrating its impact on protein function have been reported. Three clinical diagnostic laboratories have submitted clinical-significance assessments for this variant to ClinVar after 2014 without evidence for independent evaluation. Based on the evidence outlined above, the variant was classified as likely benign.

Fulgent Genetics
Classification: Uncertain significance for Autosomal dominant Alport syndrome; Hematuria, benign familial, 1; Autosomal recessive Alport syndrome. Last evaluated: 2018-10-31. Review status: criteria provided, single submitter. Criteria: ACMG Guidelines, 2015. Collection method: clinical testing. Allele origin: unknown.

Eurofins Ntd Llc (ga)
Classification: Uncertain significance. Last evaluated: 2017-04-03. Review status: criteria provided, single submitter. Criteria: EGL Classification Definitions 2015. Collection method: clinical testing. Allele origin: germline. Observed: 2 variant alleles, 2 heterozygotes.

PreventionGenetics, part of Exact Sciences
Classification: Likely benign for COL4A3-related condition. Last evaluated: 2021-05-05. Review status: no assertion criteria provided. Collection method: clinical testing. Allele origin: germline. Not counted in ClinVar's aggregate classification.
Comment: This variant is classified as likely benign based on ACMG/AMP sequence variant interpretation guidelines (Richards et al. 2015 PMID: 25741868, with internal and published modifications).

Natera, Inc.
Classification: Likely benign for Autosomal dominant Alport syndrome. Last evaluated: 2020-04-24. Review status: no assertion criteria provided. Collection method: clinical testing. Allele origin: germline. Not counted in ClinVar's aggregate classification.

NM_000091.5(COL4A3):c.4295G>A (p.Arg1432His)

Genes: COL4A3 (collagen type IV alpha 3 chain; plus strand), MFF-DT (MFF divergent transcript; minus strand). Cytogenetic location: 2q36.3.
Variant type: single nucleotide variant.
Coding change: c.4295G>A on transcript NM_000091.5 (MANE Select); coding-DNA position 4295, G replaced by A.
Protein change: p.Arg1432His; replaces arginine 1432 with histidine.
Molecular consequence: missense variant.
Genome position (GRCh38, 1-based): chr2:227,307,752, G>A. VCF-style: chr2-227307752-G-A. GRCh37 (hg19) VCF-style: chr2-228172468-G-A.
Other names: short protein forms R1432H.
Identifiers: ClinVar variation 501254 (VCV000501254.23), dbSNP rs200509072, ClinGen allele CA2147500.
Genomic context (GRCh38, chr2:227,307,752, plus strand): 5'-AGAATGTGTTTTTTGAAGGACCAGCTGGATCAGATGGATTGCCAGGTTTGAAAGGAAAAC[G>A]TGGAGACAGTGGATCACCTGCAACCTGGACAACGAGAGGCTTTGTCTTCACCCGACACAG-3'
Protein context (NP_000082.2, residues 1422-1442): SDGLPGLKGK[Arg1432His]GDSGSPATWT